The following is an entry in ClinVar:

ClinVar aggregate classification (germline): Likely pathogenic (1 of 4 stars; one submission).

Submission:

Geisinger Autism and Developmental Medicine Institute, Geisinger Health System
Classification: Likely pathogenic. Last evaluated: 2018-03-27. Review status: criteria provided, single submitter. Criteria: ACMG CNV Guidelines, 2011. Collection method: provider interpretation. Allele origin: maternal.
Comment: Copy number variants of Xq28 have been associated with intellectual disability in males. Females in the literature have been reportedly asymptomatic due to skewed X-inactivation. Similar deletions have been reported in the literature and are thought to be embryonic lethal in males (El-Hattab 2011; El-Hattab 2015).

Literature cited by the submitters: PubMed 21984752; PubMed 25927380.

Single allele

Genes: BRCC3 (BRCA1/BRCA2-containing complex subunit 3; plus strand), CLIC2 (chloride intracellular channel 2; minus strand), CMC4 (C-X9-C motif containing 4; minus strand), F8 (coagulation factor VIII; minus strand), F8A1 (coagulation factor VIII associated 1; plus strand) and 4 more. Cytogenetic location: Xq28.
Variant type: Deletion.
Identifiers: ClinVar variation 560116 (VCV000560116.3).